The following is an entry in ClinVar:

NC_000015.9:g.(?_67358493)_(67457742_?)del

Gene: SMAD3 (SMAD family member 3; plus strand). Cytogenetic location: 15q22.33.
Variant type: Deletion.
Identifiers: ClinVar variation 2425436 (VCV002425436.4).

ClinVar aggregate classification (germline): Pathogenic (1 of 4 stars; one submission).

Conditions:
Familial thoracic aortic aneurysm and aortic dissection (TAAD). Also called: Thoracic aortic aneurysms and dissections. Identifiers: Orphanet 91387, MedGen C4707243, MONDO:0019625.

Submission:

Labcorp Genetics (formerly Invitae), Labcorp
Classification: Pathogenic for Familial thoracic aortic aneurysm and aortic dissection. Last evaluated: 2023-09-04. Review status: criteria provided, single submitter. Criteria: Invitae Variant Classification Sherloc (09022015). Collection method: clinical testing. Allele origin: germline.
Comment: This variant is a gross deletion of the genomic region encompassing exon(s) 1-3 of the SMAD3 gene, which includes the initiator codon. This deletion extends beyond the assayed region for this gene and therefore may encompass additional genes. It is expected to result in an absent or disrupted protein product. Loss-of-function variants in SMAD3 are known to be pathogenic (PMID: 21778426, 24804794). This variant has not been reported in the literature in individuals affected with SMAD3-related conditions. For these reasons, this variant has been classified as Pathogenic.

Literature cited by the submitters: PubMed 21778426; PubMed 24804794.